The following is an entry in ClinVar:

NM_004415.4(DSP):c.3588A>C (p.Arg1196Ser)

Gene: DSP (desmoplakin; plus strand). Cytogenetic location: 6p24.3.
Variant type: single nucleotide variant.
Coding change: c.3588A>C on transcript NM_004415.4 (MANE Select); coding-DNA position 3588, A replaced by C.
Protein change: p.Arg1196Ser; replaces arginine 1196 with serine.
Molecular consequence: missense variant. On other transcripts: intron variant (1).
Genome position (GRCh38, 1-based): chr6:7,579,778, A>C. VCF-style: chr6-7579778-A-C. GRCh37 (hg19) VCF-style: chr6-7580011-A-C.
Other names: c.3588A>C, p.Arg1196Ser (NM_001319034.2); c.3582+6A>C (NM_001008844.3); short protein forms R1196S.
Identifiers: ClinVar variation 3368709 (VCV003368709.1).

ClinVar aggregate classification (germline): Uncertain significance (1 of 4 stars; one submission).

Submission:

GeneDx
Classification: Uncertain significance. Last evaluated: 2024-02-01. Review status: criteria provided, single submitter. Criteria: GeneDx Variant Classification Process June 2021. Collection method: clinical testing. Allele origin: germline. Affected: yes.
Comment: Not observed at significant frequency in large population cohorts (gnomAD); In silico analysis supports that this missense variant has a deleterious effect on protein structure/function; Has not been previously published as pathogenic or benign to our knowledge